The following is an entry in ClinVar:

NM_001136193.2(FASTKD2):c.523A>G (p.Lys175Glu)

Gene: FASTKD2 (FAST kinase domains 2; plus strand). Cytogenetic location: 2q33.3.
Variant type: single nucleotide variant.
Coding change: c.523A>G on transcript NM_001136193.2 (MANE Select); coding-DNA position 523, A replaced by G.
Protein change: p.Lys175Glu; replaces lysine 175 with glutamic acid.
Molecular consequence: missense variant.
Genome position (GRCh38, 1-based): chr2:206,767,216, A>G. VCF-style: chr2-206767216-A-G. GRCh37 (hg19) VCF-style: chr2-207631940-A-G.
Other names: c.523A>G, p.Lys175Glu (NM_001136194.2, NM_014929.4); c.523A>G (NM_014929.3); short protein forms K175E.
Identifiers: ClinVar variation 2156436 (VCV002156436.6), dbSNP rs747834002, ClinGen allele CA2074893.
Genomic context (GRCh38, chr2:206,767,216, plus strand): 5'-AGCAGTAGAAAACTGTCTGAGGAATGTAATTCCCTGAGTGATGTGTTAGATGCATTTTCA[A>G]AAGCGCCCACATTTCCTAGTAGCAACTATTTCACAGCAATGTGGACAATTGCCAAAAGAC-3'
Protein context (NP_001129665.1, residues 165-185): SLSDVLDAFS[Lys175Glu]APTFPSSNYF

ClinVar aggregate classification (germline): Uncertain significance. Review status: criteria provided, multiple submitters, no conflicts (2 of 4 stars). 3 submissions from 3 submitters: Uncertain significance (3). Last evaluated 2025-08-10.

Conditions:
Inborn genetic diseases. Identifiers: MedGen C0950123, MeSH D030342.
Combined oxidative phosphorylation deficiency 44. Also called: FASTKD2-Related Combined Oxidative Phosphorylation Deficiency. Identifiers: MedGen C5394293, MONDO:0030020, OMIM 618855.

Allele frequency attached by ClinVar (database versions not stated): ExAC 0.00001; gnomAD 0.00001; TOPMed 0.00001; gnomAD exomes 0.00002.
gnomAD v4.1: 23 of 1,614,122 alleles (0.0014%); highest among the groups gnomAD compares: Admixed American, 0.01%; no homozygotes.

Submissions (3):

Ambry Genetics
Classification: Uncertain significance for Inborn genetic diseases. Last evaluated: 2025-08-10. Review status: criteria provided, single submitter. Criteria: Ambry Variant Classification Scheme 2023. Collection method: clinical testing. Allele origin: germline.

Fulgent Genetics
Classification: Uncertain significance for Combined oxidative phosphorylation deficiency 44. Last evaluated: 2024-01-04. Review status: criteria provided, single submitter. Criteria: ACMG Guidelines, 2015. Collection method: clinical testing. Allele origin: germline.

Labcorp Genetics (formerly Invitae), Labcorp
Classification: Uncertain significance. Last evaluated: 2022-04-07. Review status: criteria provided, single submitter. Criteria: Invitae Variant Classification Sherloc (09022015). Collection method: clinical testing. Allele origin: germline.
Comment: In summary, the available evidence is currently insufficient to determine the role of this variant in disease. Therefore, it has been classified as a Variant of Uncertain Significance. Algorithms developed to predict the effect of missense changes on protein structure and function output the following: SIFT: "Tolerated"; PolyPhen-2: "Benign"; Align-GVGD: "Class C0". The glutamic acid amino acid residue is found in multiple mammalian species, which suggests that this missense change does not adversely affect protein function. This variant has not been reported in the literature in individuals affected with FASTKD2-related conditions. This variant is present in population databases (rs747834002, gnomAD 0.009%). This sequence change replaces lysine, which is basic and polar, with glutamic acid, which is acidic and polar, at codon 175 of the FASTKD2 protein (p.Lys175Glu).